The following is an entry in ClinVar:

ClinVar aggregate classification (germline): Uncertain significance. Review status: criteria provided, multiple submitters, no conflicts (2 of 4 stars). 2 submissions from 2 submitters: Uncertain significance (2). Last evaluated 2019-01-17.

Conditions:
Myoclonic epilepsy, juvenile, susceptibility to, 1. Also called: Myoclonic Epilepsy, Juvenile, 1; EJM1. Identifiers: MedGen C1850778, MONDO:0020752, OMIM 254770.
Absence seizure. Also called: Absence epilepsy. Identifiers: Orphanet 1941, MedGen C0014553.

Allele frequency attached by ClinVar (database versions not stated): gnomAD below 0.00001 and 0.00001; TOPMed 0.00001; gnomAD exomes 0.00004 and 0.00009; ExAC 0.00016.

Submissions (2):

Labcorp Genetics (formerly Invitae), Labcorp
Classification: Uncertain significance for Myoclonic epilepsy, juvenile, susceptibility to, 1; Absence seizure. Last evaluated: 2019-01-17. Review status: criteria provided, single submitter. Criteria: Invitae Variant Classification Sherloc (09022015). Collection method: clinical testing. Allele origin: germline.
Comment: This variant is present in population databases (rs566874147, ExAC 0.06%), and has an allele count higher than expected for a pathogenic variant (PMID: 28166811). In summary, the available evidence is currently insufficient to determine the role of this variant in disease. Therefore, it has been classified as a Variant of Uncertain Significance. Algorithms developed to predict the effect of missense changes on protein structure and function (SIFT, PolyPhen-2, Align-GVGD) all suggest that this variant is likely to be disruptive, but these predictions have not been confirmed by published functional studies and their clinical significance is uncertain. This variant has not been reported in the literature in individuals with EFHC1-related conditions. ClinVar contains an entry for this variant (Variation ID: 205405). This sequence change replaces proline with serine at codon 382 of the EFHC1 protein (p.Pro382Ser). The proline residue is highly conserved and there is a moderate physicochemical difference between proline and serine.

GeneDx
Classification: Uncertain significance. Last evaluated: 2016-04-04. Review status: criteria provided, single submitter. Criteria: GeneDx Variant Classification (06012015). Collection method: clinical testing. Allele origin: germline. Affected: yes.
Comment: The P382S variant in the EFHC1 gene has not been reported previously as a pathogenic variant, nor as a benign variant, to our knowledge. The P382S variant was not observed in approximately 6500 individuals of European and African American ancestry in the NHLBI Exome Sequencing Project, indicating it is not a common benign variant in these populations. The P382S variant is a non-conservative amino acid substitution, which is likely to impact secondary protein structure as these residues differ in polarity, charge, size and/or other properties. This substitution occurs at a position that is conserved across species. In silico analysis predicts this variant is probably damaging to the protein structure/function. Based on review of the data in the context of the 2015 ACMG standards and guidelines for the interpretation of sequence variants (Richards et al., 2015), we now interpret P382S as a variant of uncertain significance.

Literature cited by the submitters: PubMed 28166811 (cited by Labcorp Genetics (formerly Invitae), Labcorp).

NM_018100.4(EFHC1):c.1144C>T (p.Pro382Ser)

Gene: EFHC1 (EF-hand domain containing 1; plus strand). Cytogenetic location: 6p12.2.
Variant type: single nucleotide variant.
Coding change: c.1144C>T on transcript NM_018100.4 (MANE Select); coding-DNA position 1144, C replaced by T.
Protein change: p.Pro382Ser; replaces proline 382 with serine.
Molecular consequence: missense variant. On other transcripts: non-coding transcript variant (1).
Genome position (GRCh38, 1-based): chr6:52,469,339, C>T. VCF-style: chr6-52469339-C-T. GRCh37 (hg19) VCF-style: chr6-52334137-C-T.
Other names: c.1087C>T, p.Pro363Ser (NM_001172420.2); short protein forms P382S, P363S.
Identifiers: ClinVar variation 205405 (VCV000205405.13), dbSNP rs566874147, ClinGen allele CA314444.